The following is an entry in ClinVar:

NM_001029883.3(PCARE):c.3178C>T (p.Pro1060Ser)

Gene: PCARE (photoreceptor cilium actin regulator; minus strand). Cytogenetic location: 2p23.2.
Variant type: single nucleotide variant.
Coding change: c.3178C>T on transcript NM_001029883.3 (MANE Select); coding-DNA position 3178, C replaced by T.
Protein change: p.Pro1060Ser; replaces proline 1060 with serine.
Molecular consequence: missense variant.
Genome position (GRCh38, 1-based): chr2:29,071,084, G>A on the plus strand (C>T on the coding strand, the complement: PCARE is on the minus strand). VCF-style: chr2-29071084-G-A. GRCh37 (hg19) VCF-style: chr2-29293950-G-A.
Other names: short protein forms P1060S.
Identifiers: ClinVar variation 1350097 (VCV001350097.8), dbSNP rs72861054, ClinGen allele CA1592002.
Genomic context (GRCh38, chr2:29,071,084, plus strand): 5'-CTTCTGGGTGCTGGGTTGGGGGGCTGGGGACCTTGCACTGAGCAGGTGCACTCTCGGGGG[G>A]AGGGTTGGGCAACTTGGGCTGGTGCGGTGGGGAAGTTCGCCGCTTTGTGGTGGGTGGGCT-3'
Protein context (NP_001025054.1, residues 1050-1070): PPHQPKLPNP[Pro1060Ser]PESAPAQCKV

ClinVar aggregate classification (germline): Uncertain significance (1 of 4 stars; one submission).

Submission:

Labcorp Genetics (formerly Invitae), Labcorp
Classification: Uncertain significance. Last evaluated: 2021-06-29. Review status: criteria provided, single submitter. Criteria: Invitae Variant Classification Sherloc (09022015). Collection method: clinical testing. Allele origin: germline.
Comment: This sequence change replaces proline with serine at codon 1060 of the PCARE protein (p.Pro1060Ser). The proline residue is moderately conserved and there is a moderate physicochemical difference between proline and serine. This variant is present in population databases (rs72861054, ExAC 0.01%). This variant has not been reported in the literature in individuals affected with PCARE-related conditions. Algorithms developed to predict the effect of missense changes on protein structure and function (SIFT, PolyPhen-2, Align-GVGD) all suggest that this variant is likely to be tolerated. In summary, the available evidence is currently insufficient to determine the role of this variant in disease. Therefore, it has been classified as a Variant of Uncertain Significance.